The following is an entry in ClinVar:

NM_000520.5(HEXA):c.-2343_-2342delAA

Genes: HEXA-AS1 (HEXA antisense RNA 1; plus strand), HEXA (hexosaminidase subunit alpha; minus strand). Cytogenetic location: 15q23.
Variant type: Deletion.
Coding change: c.-2343_-2342delAA on transcript NM_000520.5; 2343 bases upstream of the start codon through 2342 bases upstream of the start codon, 2 bases deleted (AA).
Molecular consequence: non-coding transcript variant (on NR_027262.1).
Genome position (GRCh38, 1-based): chr15:72,378,314-72,378,315, TT deleted on the plus strand (AA on the coding strand, the reverse complement: HEXA is on the minus strand). VCF-style (leftmost placement, unchanged base first): chr15-72378313-CTT-C. GRCh37 (hg19) VCF-style: chr15-72670654-CTT-C.
Identifiers: ClinVar variation 1698655 (VCV001698655.1), dbSNP rs561605340, ClinGen allele CA272633450.

ClinVar aggregate classification (germline): Uncertain significance (1 of 4 stars; one submission).

Allele frequency attached by ClinVar (database versions not stated): gnomAD 0.00004 and 0.00088; 1000 Genomes Project 0.00519; 1000 Genomes Project 30x 0.00609; TOPMed 0.00017.

Submission:

Women's Health and Genetics/Laboratory Corporation of America, LabCorp
Classification: Uncertain significance. Last evaluated: 2022-06-29. Review status: criteria provided, single submitter. Criteria: LabCorp Variant Classification Summary - May 2015. Collection method: clinical testing. Allele origin: germline.
Comment: Variant summary: HEXA c.-2343_-2342delAA is located in the untranscribed region upstream of the HEXA gene region. The variant allele was found at a frequency of 0.00019 in 31402 control chromosomes. The available data on variant occurrences in the general population are insufficient to allow any conclusion about variant significance. To our knowledge, no occurrence of c.-2343_-2342delAA in individuals affected with Tay-Sachs Disease and no experimental evidence demonstrating its impact on protein function have been reported. No clinical diagnostic laboratories have submitted clinical-significance assessments for this variant to ClinVar after 2014. Based on the evidence outlined above, the variant was classified as uncertain significance.